The following is an entry in ClinVar:

ClinVar aggregate classification (germline): Likely benign. Review status: criteria provided, multiple submitters, no conflicts (2 of 4 stars). 2 submissions from 2 submitters: Likely benign (2). Last evaluated 2026-06-22.

Conditions:
LAMA3-related disorder. Also called: LAMA3-related condition; LAMA3-related disorders.

Allele frequency attached by ClinVar (database versions not stated): ExAC 0.00007; gnomAD 0.00009 and 0.00011; gnomAD exomes 0.00009; TOPMed 0.00012; ESP Exome Variant Server 0.00023.
gnomAD v4.1: 149 of 1,614,014 alleles (0.0092%); highest among the groups gnomAD compares: Admixed American, 0.013%; 1 homozygote.

Submissions (2):

PreventionGenetics, part of Exact Sciences
Classification: Likely benign for LAMA3-related condition. Last evaluated: 2026-06-22. Review status: criteria provided, single submitter. Criteria: ACMG Guidelines, 2015. Collection method: clinical testing. Allele origin: germline.
Comment: This variant is classified as likely benign based on ACMG/AMP sequence variant interpretation guidelines (Richards et al. 2015 PMID: 25741868, with internal and published modifications).

Labcorp Genetics (formerly Invitae), Labcorp
Classification: Likely benign. Last evaluated: 2024-03-14. Review status: criteria provided, single submitter. Criteria: Invitae Variant Classification Sherloc (09022015). Collection method: clinical testing. Allele origin: germline.

NM_198129.4(LAMA3):c.7377C>T (p.Thr2459=)

Gene: LAMA3 (laminin subunit alpha 3; plus strand). Cytogenetic location: 18q11.2.
Variant type: single nucleotide variant.
Coding change: c.7377C>T on transcript NM_198129.4 (MANE Select); coding-DNA position 7377, C replaced by T.
Protein change: p.Thr2459=; no amino-acid change (threonine 2459 retained).
Molecular consequence: synonymous variant.
Genome position (GRCh38, 1-based): chr18:23,914,457, C>T. VCF-style: chr18-23914457-C-T. GRCh37 (hg19) VCF-style: chr18-21494421-C-T.
Other names: c.2550C>T, p.Thr850= (NM_000227.6); c.7209C>T, p.Thr2403= (NM_001127717.4); c.2382C>T, p.Thr794= (NM_001127718.4); c.2550C>T (NM_000227.4).
Identifiers: ClinVar variation 1118068 (VCV001118068.10), dbSNP rs61751704, ClinGen allele CA8916636.